The following is an entry in ClinVar:

NM_032638.5(GATA2):c.1403G>A (p.Gly468Asp)

Gene: GATA2 (GATA binding protein 2; minus strand). Cytogenetic location: 3q21.3.
Variant type: single nucleotide variant.
Coding change: c.1403G>A on transcript NM_032638.5 (MANE Select); coding-DNA position 1403, G replaced by A.
Protein change: p.Gly468Asp; replaces glycine 468 with aspartic acid.
Molecular consequence: missense variant.
Genome position (GRCh38, 1-based): chr3:128,481,059, C>T on the plus strand (G>A on the coding strand, the complement: GATA2 is on the minus strand). VCF-style: chr3-128481059-C-T. GRCh37 (hg19) VCF-style: chr3-128199902-C-T.
Other names: c.1403G>A, p.Gly468Asp (NM_001145661.2); c.1361G>A, p.Gly454Asp (NM_001145662.1); short protein forms G468D, G454D.
Identifiers: ClinVar variation 1401915 (VCV001401915.8), dbSNP rs2107667668, ClinGen allele CA354412501.

ClinVar aggregate classification (germline): Uncertain significance (1 of 4 stars; one submission).

Conditions:
Monocytopenia with susceptibility to infections. Also called: MONOCYTOPENIA AND MYCOBACTERIAL INFECTION SYNDROME; MONOCYTOPENIA WITH SUSCEPTIBILITY TO MYCOBACTERIAL, FUNGAL, AND PAPILLOMAVIRUS INFECTIONS AND MYELODYSPLASIA; COMBINED IMMUNODEFICIENCY WITH SUSCEPTIBILITY TO MYCOBACTERIAL, VIRAL, AND FUNGAL INFECTIONS; Dendritic cell, monocyte, B lymphocyte, and natural killer lymphocyte deficiency; IMMUNODEFICIENCY 21; GATA2 DEFICIENCY. Identifiers: Orphanet 228423, MedGen C3280030, MONDO:0013607, OMIM 614172.
Deafness-lymphedema-leukemia syndrome. Also called: Emberger syndrome; Lymphedema, primary, with myelodysplasia. Identifiers: Orphanet 3226, MedGen C3279664, MONDO:0013540, OMIM 614038.

Submission:

Labcorp Genetics (formerly Invitae), Labcorp
Classification: Uncertain significance for Monocytopenia with susceptibility to infections; Deafness-lymphedema-leukemia syndrome. Last evaluated: 2021-06-19. Review status: criteria provided, single submitter. Criteria: Invitae Variant Classification Sherloc (09022015). Collection method: clinical testing. Allele origin: germline.
Comment: In summary, the available evidence is currently insufficient to determine the role of this variant in disease. Therefore, it has been classified as a Variant of Uncertain Significance. Algorithms developed to predict the effect of missense changes on protein structure and function are either unavailable or do not agree on the potential impact of this missense change (SIFT: "Tolerated"; PolyPhen-2: "Probably Damaging"; Align-GVGD: "Class C0"). This variant has not been reported in the literature in individuals with GATA2-related conditions. This variant is not present in population databases (ExAC no frequency). This sequence change replaces glycine with aspartic acid at codon 468 of the GATA2 protein (p.Gly468Asp). The glycine residue is moderately conserved and there is a moderate physicochemical difference between glycine and aspartic acid.